The following is an entry in ClinVar:

ClinVar aggregate classification (germline): Uncertain significance (1 of 4 stars; one submission).

Conditions:
MED13-related disorder. Also called: MED13-related condition.

Submission:

PreventionGenetics, part of Exact Sciences
Classification: Uncertain significance for MED13-related condition. Last evaluated: 2025-09-12. Review status: criteria provided, single submitter. Criteria: ACMG Guidelines, 2015. Collection method: clinical testing. Allele origin: germline.
Comment: The MED13 c.2506A>G variant is predicted to result in the amino acid substitution p.Thr836Ala. To our knowledge, this variant has not been reported in the literature or in a large population database (gnomAD), indicating this variant is rare. At this time, the clinical significance of this variant is uncertain due to the absence of conclusive functional and genetic evidence.

NM_005121.3(MED13):c.2506A>G (p.Thr836Ala)

Gene: MED13 (mediator complex subunit 13; minus strand). Cytogenetic location: 17q23.2.
Variant type: single nucleotide variant.
Coding change: c.2506A>G on transcript NM_005121.3 (MANE Select); coding-DNA position 2506, A replaced by G.
Protein change: p.Thr836Ala; replaces threonine 836 with alanine.
Molecular consequence: missense variant.
Genome position (GRCh38, 1-based): chr17:61,984,836, T>C on the plus strand (A>G on the coding strand, the complement: MED13 is on the minus strand). VCF-style: chr17-61984836-T-C. GRCh37 (hg19) VCF-style: chr17-60062197-T-C.
Other names: short protein forms T836A.
Identifiers: ClinVar variation 4992051 (VCV004992051.1).